The following is an entry in ClinVar:

ClinVar aggregate classification (germline): Uncertain significance (1 of 4 stars; one submission).

gnomAD v4.1: 36 of 1,611,124 alleles (0.0022%); highest among the groups gnomAD compares: East Asian, 0.016%; no homozygotes.

Submission:

Women's Health and Genetics/Laboratory Corporation of America, LabCorp
Classification: Uncertain significance. Last evaluated: 2026-03-13. Review status: criteria provided, single submitter. Criteria: LabCorp Variant Classification Summary - May 2015. Collection method: clinical testing. Allele origin: germline.
Comment: Variant summary: HECW2 c.2696G>A (p.Arg899Gln) results in a conservative amino acid change in the encoded protein sequence. Algorithms developed to predict the effect of missense changes on protein structure and function are either unavailable or do not agree on the potential impact of this missense change. The variant allele was found at a frequency of 2.8e-05 in 248144 control chromosomes. The available data on variant occurrences in the general population are insufficient to allow any conclusion about variant significance. c.2696G>A has been observed in individual(s) affected with developmental disorder (Kaplanis_2020). These report(s) do not provide unequivocal conclusions about association of the variant with Neurodevelopmental disorder with hypotonia, seizures, and absent language. To our knowledge, no experimental evidence demonstrating an impact on protein function has been reported. The following publication have been ascertained in the context of this evaluation (PMID: 33057194). No submitters have cited clinical-significance assessments for this variant to ClinVar. Based on the evidence outlined above, the variant was classified as uncertain significance.

Literature cited by the submitters: PubMed 33057194.

NM_001348768.2(HECW2):c.2696G>A (p.Arg899Gln)

Gene: HECW2 (HECT, C2 and WW domain containing E3 ubiquitin protein ligase 2; minus strand). Cytogenetic location: 2q32.3.
Variant type: single nucleotide variant.
Coding change: c.2696G>A on transcript NM_001348768.2 (MANE Select); coding-DNA position 2696, G replaced by A.
Protein change: p.Arg899Gln; replaces arginine 899 with glutamine.
Molecular consequence: missense variant.
Genome position (GRCh38, 1-based): chr2:196,306,606, C>T on the plus strand (G>A on the coding strand, the complement: HECW2 is on the minus strand). VCF-style: chr2-196306606-C-T. GRCh37 (hg19) VCF-style: chr2-197171330-C-T.
Other names: c.1628G>A, p.Arg543Gln (NM_001304840.3); c.2696G>A, p.Arg899Gln (NM_020760.4); short protein forms R543Q, R899Q.
Identifiers: ClinVar variation 4847237 (VCV004847237.1).